The following is an entry in ClinVar:

ClinVar aggregate classification (germline): Uncertain significance (1 of 4 stars; one submission).

Allele frequency attached by ClinVar (database versions not stated): gnomAD exomes below 0.00001.

Submission:

Ambry Genetics
Classification: Uncertain significance. Last evaluated: 2022-03-16. Review status: criteria provided, single submitter. Criteria: Ambry Variant Classification Scheme 2023. Collection method: clinical testing. Allele origin: germline.
Comment: The p.M113I variant (also known as c.339G>A), located in coding exon 3 of the RECQL gene, results from a G to A substitution at nucleotide position 339. The methionine at codon 113 is replaced by isoleucine, an amino acid with highly similar properties. This amino acid position is conserved. In addition, this alteration is predicted to be deleterious by in silico analysis. Since supporting evidence is limited at this time, the clinical significance of this alteration remains unclear.

NM_002907.4(RECQL):c.339G>A (p.Met113Ile)

Gene: RECQL (RecQ like helicase; minus strand). Cytogenetic location: 12p12.1.
Variant type: single nucleotide variant.
Coding change: c.339G>A on transcript NM_002907.4 (MANE Select); coding-DNA position 339, G replaced by A.
Protein change: p.Met113Ile; replaces methionine 113 with isoleucine.
Molecular consequence: missense variant.
Genome position (GRCh38, 1-based): chr12:21,490,254, C>T on the plus strand (G>A on the coding strand, the complement: RECQL is on the minus strand). VCF-style: chr12-21490254-C-T. GRCh37 (hg19) VCF-style: chr12-21643188-C-T.
Other names: c.339G>A, p.Met113Ile (NM_032941.3); short protein forms M113I.
Identifiers: ClinVar variation 1730989 (VCV001730989.2), dbSNP rs2540399481, ClinGen allele CA384132543.